The following is an entry in ClinVar:

NM_024675.4(PALB2):c.912del (p.Leu304_Val305insTer)

Gene: PALB2 (partner and localizer of BRCA2; minus strand). Cytogenetic location: 16p12.2.
Variant type: Deletion.
Coding change: c.912del on transcript NM_024675.4 (MANE Select); coding-DNA position 912, one base deleted (T; older notation c.912delT).
Protein change: p.Leu304_Val305insTer.
Molecular consequence: frameshift variant. On other transcripts: intron variant (3).
Genome position (GRCh38, 1-based): chr16:23,635,634, A deleted on the plus strand (T on the coding strand, the reverse complement: PALB2 is on the minus strand); the first of 2 consecutive A bases (chr16:23,635,634-23,635,635); deleting either gives the same sequence. VCF-style (leftmost placement, unchanged base first): chr16-23635633-CA-C. GRCh37 (hg19) VCF-style: chr16-23646954-CA-C.
Other names: c.27del, p.Leu9_Val10insTer (NM_001407311.1, NM_001407304.1, NM_001407305.1 and 5 more transcripts); c.48+5476del (NM_001407314.1); c.-104-5165del (NM_001407313.1, NM_001407312.1); c.852del, p.Leu284_Val285insTer (NM_001407296.1); c.912del, p.Leu304_Val305insTer (NM_001407297.1, NM_001407298.1, NM_001407299.1 and 3 more transcripts).
Identifiers: ClinVar variation 2774019 (VCV002774019.2), dbSNP rs2506495781, ClinGen allele CA2697555748.

ClinVar aggregate classification (germline): Pathogenic (1 of 4 stars; one submission).

Conditions:
Hereditary cancer-predisposing syndrome. Also called: Hereditary neoplastic syndrome; Hereditary Cancer Syndrome; Neoplastic Syndromes, Hereditary; Tumor predisposition. Identifiers: Orphanet 140162, MedGen C0027672, MeSH D009386, MONDO:0015356.

Submission:

Color Diagnostics, LLC DBA Color Health
Classification: Pathogenic for Hereditary cancer-predisposing syndrome. Last evaluated: 2022-03-28. Review status: criteria provided, single submitter. Criteria: ACMG Guidelines, 2015. Collection method: clinical testing. Allele origin: germline.
Comment: This variant deletes 1 nucleotide in exon 4 of the PALB2 gene, creating a frameshift and premature translation stop signal. This variant is expected to result in an absent or non-functional protein product. To our knowledge, this variant has not been reported in individuals affected with hereditary cancer in the literature. This variant has not been identified in the general population by the Genome Aggregation Database (gnomAD). Loss of PALB2 function is a known mechanism of disease. Based on the available evidence, this variant is classified as Pathogenic.